The following is an entry in ClinVar:

NM_024426.6(WT1):c.587G>A (p.Gly196Asp)

Genes: WT1 (WT1 transcription factor; minus strand), LOC107982234 (WT1/WT1-AS bi-directional promoter region; plus strand). Cytogenetic location: 11p13.
Variant type: single nucleotide variant.
Coding change: c.587G>A on transcript NM_024426.6 (MANE Select); coding-DNA position 587, G replaced by A.
Protein change: p.Gly196Asp; replaces glycine 196 with aspartic acid.
Molecular consequence: missense variant. On other transcripts: non-coding transcript variant (1).
Genome position (GRCh38, 1-based): chr11:32,434,774, C>T on the plus strand (G>A on the coding strand, the complement: WT1 is on the minus strand). VCF-style: chr11-32434774-C-T. GRCh37 (hg19) VCF-style: chr11-32456320-C-T.
Other names: c.587G>A, p.Gly196Asp (NM_000378.6, NM_024424.5); short protein forms G196D.
Identifiers: ClinVar variation 304423 (VCV000304423.17), dbSNP rs753112302, ClinGen allele CA065067.

ClinVar aggregate classification (germline): Conflicting classifications of pathogenicity. Review status: criteria provided, conflicting classifications (1 of 4 stars). 8 submissions from 6 submitters: Uncertain significance (7); Likely benign (1). Last evaluated 2024-12-16.

Conditions:
Inborn genetic diseases. Identifiers: MedGen C0950123, MeSH D030342.
Nephrotic syndrome, type 4 (NPHS4). Also called: Familial mesangial sclerosis; Nephrotic syndrome, early onset with diffuse mesangial sclerosis. Identifiers: Orphanet 656, MedGen C3151568, MONDO:0009733, OMIM 256370.
Drash syndrome (DDS). Also called: NEPHROPATHY, WILMS TUMOR, AND GENITAL ANOMALIES; WILMS TUMOR AND PSEUDO- OR TRUE HERMAPHRODITISM. Identifiers: Orphanet 220, MedGen C0950121, MONDO:0008682, OMIM 194080.
Frasier syndrome. Identifiers: Orphanet 347, MedGen C0950122, MeSH D052159, MONDO:0007635, OMIM 136680.
Wilms tumor 1 (WT1). Also called: Wilms tumor, somatic. Identifiers: Orphanet 654, MedGen CN033288, MONDO:0008679, OMIM 194070.
11p partial monosomy syndrome (WAGR). Also called: CHROMOSOME 11p13 DELETION SYNDROME; WAGR Spectrum Disorder; WAGR syndrome; WAGR Complex. Identifiers: Orphanet 893, MedGen C0206115, MONDO:0008681, OMIM 194072.
Meacham syndrome. Also called: Meacham Winn Culler syndrome. Identifiers: Orphanet 3097, MedGen C1837026, MONDO:0012164, OMIM 608978.

Allele frequency attached by ClinVar (database versions not stated): gnomAD exomes below 0.00001 and 0.00002; TOPMed 0.00001; ExAC 0.00002.

Submissions (8):

Ambry Genetics
Classification: Uncertain significance for Inborn genetic diseases. Last evaluated: 2024-12-16. Review status: criteria provided, single submitter. Criteria: Ambry Variant Classification Scheme 2023. Collection method: clinical testing. Allele origin: germline.
Comment: The p.G191D variant (also known as c.572G>A), located in coding exon 1 of the WT1 gene, results from a G to A substitution at nucleotide position 572. The glycine at codon 191 is replaced by aspartic acid, an amino acid with similar properties. This amino acid position is conserved. In addition, the in silico prediction for this alteration is inconclusive. Based on the available evidence, the clinical significance of this variant remains unclear.

Labcorp Genetics (formerly Invitae), Labcorp
Classification: Uncertain significance for Wilms tumor 1; Drash syndrome; 11p partial monosomy syndrome; Frasier syndrome. Last evaluated: 2024-04-15. Review status: criteria provided, single submitter. Criteria: Invitae Variant Classification Sherloc (09022015). Collection method: clinical testing. Allele origin: germline.
Comment: This sequence change replaces glycine, which is neutral and non-polar, with aspartic acid, which is acidic and polar, at codon 191 of the WT1 protein (p.Gly191Asp). This variant is present in population databases (rs753112302, gnomAD 0.003%). This variant has not been reported in the literature in individuals affected with WT1-related conditions. ClinVar contains an entry for this variant (Variation ID: 304423). Advanced modeling of protein sequence and biophysical properties (such as structural, functional, and spatial information, amino acid conservation, physicochemical variation, residue mobility, and thermodynamic stability) performed at Invitae indicates that this missense variant is not expected to disrupt WT1 protein function with a negative predictive value of 95%. In summary, the available evidence is currently insufficient to determine the role of this variant in disease. Therefore, it has been classified as a Variant of Uncertain Significance.

Baylor Genetics
Classification: Uncertain significance for Drash syndrome. Last evaluated: 2024-02-15. Review status: criteria provided, single submitter. Criteria: ACMG Guidelines, 2015. Collection method: clinical testing. Allele origin: unknown.

GeneDx
Classification: Uncertain significance. Last evaluated: 2023-12-31. Review status: criteria provided, single submitter. Criteria: GeneDx Variant Classification Process June 2021. Collection method: clinical testing. Allele origin: germline.
Comment: Not observed at significant frequency in large population cohorts (gnomAD); In silico analysis supports that this missense variant does not alter protein structure/function; Has not been previously published as pathogenic or benign to our knowledge; This variant is associated with the following publications: (PMID: 8486616)

Blueprint Genetics
Classification: Uncertain significance. Last evaluated: 2023-05-03. Review status: criteria provided, single submitter. Criteria: ACMG Guidelines, 2015. Collection method: clinical testing. Allele origin: germline.

Illumina Laboratory Services, Illumina
Classification: Uncertain significance for Wilms tumor 1. Last evaluated: 2018-01-13. Review status: criteria provided, single submitter. Criteria: ICSL Variant Classification Criteria 13 December 2019. Collection method: clinical testing. Allele origin: germline.

Illumina Laboratory Services, Illumina
Classification: Uncertain significance for Nephrotic syndrome, type 4. Last evaluated: 2018-01-13. Review status: criteria provided, single submitter. Criteria: ICSL Variant Classification Criteria 13 December 2019. Collection method: clinical testing. Allele origin: germline.

Illumina Laboratory Services, Illumina
Classification: Likely benign for Meacham syndrome. Last evaluated: 2018-01-13. Review status: criteria provided, single submitter. Criteria: ICSL Variant Classification Criteria 13 December 2019. Collection method: clinical testing. Allele origin: germline.
Comment: This variant was observed in the ICSL laboratory as part of a predisposition screen in an ostensibly healthy population. It had not been previously curated by ICSL or reported in the Human Gene Mutation Database (HGMD: prior to June 1st, 2018), and was therefore a candidate for classification through an automated scoring system. Utilizing variant allele frequency, disease prevalence and penetrance estimates, and inheritance mode, an automated score was calculated to assess if this variant is too frequent to cause the disease. Based on the score and internal cut-off values, a variant classified as likely benign is not then subjected to further curation. The score for this variant resulted in a classification of likely benign for this disease.